The following is an entry in ClinVar:

NM_001267550.2(TTN):c.50995_50997dup (p.Asp16999_Arg17000insAsp)

Genes: TTN (titin; minus strand), TTN-AS1 (TTN antisense RNA 1; plus strand). Cytogenetic location: 2q31.2.
Variant type: Duplication.
Coding change: c.50995_50997dup on transcript NM_001267550.2 (MANE Select); coding-DNA positions 50995 to 50997, 3 bases duplicated (GAT; older notation c.50995_50997dupGAT).
Protein change: p.Asp16999_Arg17000insAsp.
Molecular consequence: inframe insertion.
Genome position (GRCh38, 1-based): chr2:178,611,132-178,611,134, ATC duplicated on the plus strand (GAT on the coding strand, the reverse complement: TTN is on the minus strand); duplicating any 3 consecutive bases within chr2:178,611,132-178,611,135 gives the same sequence; the c. name uses the placement nearest the transcript's 3' end. VCF-style (leftmost placement, unchanged base first): chr2-178611131-T-TATC. GRCh37 (hg19) VCF-style: chr2-179475858-T-TATC.
Other names: c.50995_50997dup (NM_001267550.1); c.46072_46074dup, p.Asp15358_Arg15359insAsp (NM_001256850.1); c.23800_23802dup, p.Asp7934_Arg7935insAsp (NM_003319.4); c.43291_43293dup, p.Asp14431_Arg14432insAsp (NM_133378.4); c.24175_24177dup, p.Asp8059_Arg8060insAsp (NM_133432.3); c.24376_24378dup, p.Asp8126_Arg8127insAsp (NM_133437.4); c.50995_50997dupGAT (NM_001267550.2); c.23800_23802dupGAT (NM_003319.4).
Identifiers: ClinVar variation 1790433 (VCV001790433.8), dbSNP rs1413836585, ClinGen allele CA538435846.

ClinVar aggregate classification (germline): Uncertain significance. Review status: criteria provided, multiple submitters, no conflicts (2 of 4 stars). 4 submissions from 4 submitters: Uncertain significance (4). Last evaluated 2026-09-16.

Conditions:
Cardiovascular phenotype. Identifiers: MedGen CN230736.
TTN-related disorder. Also called: TTN-related disorders; TTN-related condition; TTN-related disease.

Submissions (4):

PreventionGenetics, part of Exact Sciences
Classification: Uncertain significance for TTN-related condition. Last evaluated: 2026-09-16. Review status: criteria provided, single submitter. Criteria: ACMG Guidelines, 2015. Collection method: clinical testing. Allele origin: germline.
Comment: The TTN c.50995_50997dupGAT variant is predicted to result in an in-frame duplication (p.Asp16999dup). To our knowledge, this variant has not been reported in the literature. This variant is reported in 0.0027% of alleles in individuals of European (Non-Finnish) descent in gnomAD. At this time, the clinical significance of this variant is uncertain due to the absence of conclusive functional and genetic evidence.

Ambry Genetics
Classification: Uncertain significance for Cardiovascular phenotype. Last evaluated: 2024-11-07. Review status: criteria provided, single submitter. Criteria: Ambry Variant Classification Scheme 2023. Collection method: clinical testing. Allele origin: germline.
Comment: The c.23800_23802dupGAT variant (also known as p.D7934dup), located in coding exon 97 of the TTN gene, results from an in-frame duplication of GAT at nucleotide positions 23800 to 23802. This results in the duplication of an extra residue between codons 7934 and 7935. This amino acid position is highly conserved in available vertebrate species. In addition, this alteration is predicted to be deleterious by in silico analysis (Choi Y et al. PLoS ONE. 2012; 7(10):e46688). Based on the available evidence, the clinical significance of this variant remains unclear.

GeneDx
Classification: Uncertain significance. Last evaluated: 2024-06-18. Review status: criteria provided, single submitter. Criteria: GeneDx Variant Classification Process June 2021. Collection method: clinical testing. Allele origin: germline. Affected: yes.
Comment: Not observed at significant frequency in large population cohorts (gnomAD); In-frame duplication of 1 amino acid in a gene in which most reported pathogenic variants are truncating/loss-of-function; Has not been previously published as pathogenic or benign to our knowledge

Revvity Omics, Revvity
Classification: Uncertain significance. Last evaluated: 2021-07-24. Review status: criteria provided, single submitter. Criteria: ACMG Guidelines, 2015. Collection method: clinical testing. Allele origin: germline.